The following is an entry in ClinVar:

NM_144997.7(FLCN):c.369G>A (p.Gln123=)

Gene: FLCN (folliculin; minus strand). Cytogenetic location: 17p11.2.
Variant type: single nucleotide variant.
Coding change: c.369G>A on transcript NM_144997.7 (MANE Select); coding-DNA position 369, G replaced by A.
Protein change: p.Gln123=; no amino-acid change (glutamine 123 retained).
Molecular consequence: synonymous variant.
Genome position (GRCh38, 1-based): chr17:17,226,203, C>T on the plus strand (G>A on the coding strand, the complement: FLCN is on the minus strand). VCF-style: chr17-17226203-C-T. GRCh37 (hg19) VCF-style: chr17-17129517-C-T.
Other names: c.369G>A, p.Gln123= (NM_001353229.2, NM_001353230.2, NM_001353231.2 and 1 more transcripts).
Identifiers: ClinVar variation 3773256 (VCV003773256.1).

ClinVar aggregate classification (germline): Benign (1 of 4 stars; one submission).

Conditions:
Birt-Hogg-Dube syndrome 1 (BHD1). Also called: FIBROFOLLICULOMAS WITH TRICHODISCOMAS AND ACROCHORDONS. Identifiers: Orphanet 122, MedGen CN375946, MONDO:0800445, OMIM 135150.

Submission:

Myriad Genetics, Inc.
Classification: Benign for Birt-Hogg-Dube syndrome 1. Last evaluated: 2024-10-22. Review status: criteria provided, single submitter. Criteria: Myriad Autosomal Dominant, Autosomal Recessive and X-Linked Classification Criteria (2023). Collection method: clinical testing. Allele origin: unknown.
Comment: This variant is considered benign. This variant is a silent/synonymous amino acid change and it is not expected to impact splicing.